The following is an entry in ClinVar:

ClinVar aggregate classification (germline): Uncertain significance. Review status: criteria provided, single submitter (1 of 4 stars). 2 submissions from 2 submitters: Uncertain significance (1). 1 of the submissions does not count toward it. Last evaluated 2024-05-15.

Conditions:
CFTR-related disorder (CFTR-RD). Also called: CFTR-related disorders; CFTR-related condition. Identifiers: MedGen C5924204, MONDO:7770004.
Cystic fibrosis (CF). Also called: MUCOVISCIDOSIS. Identifiers: Orphanet 586, MedGen C0010674, MONDO:0009061, OMIM 219700. Disease mechanism: loss of function.

Submissions (2):

Labcorp Genetics (formerly Invitae), Labcorp
Classification: Uncertain significance for Cystic fibrosis. Last evaluated: 2024-05-15. Review status: criteria provided, single submitter. Criteria: Invitae Variant Classification Sherloc (09022015). Collection method: clinical testing. Allele origin: germline.
Comment: This sequence change replaces glycine, which is neutral and non-polar, with serine, which is neutral and polar, at codon 1047 of the CFTR protein (p.Gly1047Ser). This variant also falls at the last nucleotide of exon 19, which is part of the consensus splice site for this exon. This variant is not present in population databases (gnomAD no frequency). This variant has not been reported in the literature in individuals affected with CFTR-related conditions. ClinVar contains an entry for this variant (Variation ID: 950097). An algorithm developed to predict the effect of missense changes on protein structure and function (PolyPhen-2) suggests that this variant is likely to be tolerated. Variants that disrupt the consensus splice site are a relatively common cause of aberrant splicing (PMID: 17576681, 9536098). Algorithms developed to predict the effect of sequence changes on RNA splicing suggest that this variant may disrupt the consensus splice site. In summary, the available evidence is currently insufficient to determine the role of this variant in disease. Therefore, it has been classified as a Variant of Uncertain Significance.

Natera, Inc.
Classification: Uncertain significance for CFTR-related disorders. Last evaluated: 2021-05-28. Review status: no assertion criteria provided. Collection method: clinical testing. Allele origin: germline. Not counted in ClinVar's aggregate classification.

Literature cited by the submitters: PubMed 17576681 (cited by Labcorp Genetics (formerly Invitae), Labcorp); PubMed 9536098 (cited by Labcorp Genetics (formerly Invitae), Labcorp).

NM_000492.4(CFTR):c.3139G>A (p.Gly1047Ser)

Genes: CFTR-AS2 (CFTR antisense RNA 2; minus strand), CFTR (CF transmembrane conductance regulator; plus strand), LOC111674472 (DNase I hypersensitive sites in introns 16 and 17a of CFTR; plus strand). Cytogenetic location: 7q31.2.
Variant type: single nucleotide variant.
Coding change: c.3139G>A on transcript NM_000492.4 (MANE Select); coding-DNA position 3139, G replaced by A.
Protein change: p.Gly1047Ser; replaces glycine 1047 with serine.
Molecular consequence: missense variant.
Genome position (GRCh38, 1-based): chr7:117,610,669, G>A. VCF-style: chr7-117610669-G-A. GRCh37 (hg19) VCF-style: chr7-117250723-G-A.
Other names: short protein forms G1047S.
Identifiers: ClinVar variation 950097 (VCV000950097.10), dbSNP rs397508504, ClinGen allele CA368990865.
Genomic context (GRCh38, chr7:117,610,669, plus strand): 5'-ATTATGTTGAGAGCATATTTCCTCCAAACCTCACAGCAACTCAAACAACTGGAATCTGAA[G>A]GTATGACAGTGAATGTGCGATACTCATCTTGTAAAAAAGCTATAAGAGCTATTTGAGATT-3'
Protein context (NP_000483.3, residues 1037-1057): SQQLKQLESE[Gly1047Ser]RSPIFTHLVT